The following is an entry in ClinVar:

NM_016247.4(IMPG2):c.2327T>C (p.Ile776Thr)

Gene: IMPG2 (interphotoreceptor matrix proteoglycan 2; minus strand). Cytogenetic location: 3q12.3.
Variant type: single nucleotide variant.
Coding change: c.2327T>C on transcript NM_016247.4 (MANE Select); coding-DNA position 2327, T replaced by C.
Protein change: p.Ile776Thr; replaces isoleucine 776 with threonine.
Molecular consequence: missense variant.
Genome position (GRCh38, 1-based): chr3:101,244,004, A>G on the plus strand (T>C on the coding strand, the complement: IMPG2 is on the minus strand). VCF-style: chr3-101244004-A-G. GRCh37 (hg19) VCF-style: chr3-100962848-A-G.
Other names: c.2327T>C (NM_016247.3); short protein forms I776T.
Identifiers: ClinVar variation 998983 (VCV000998983.12), dbSNP rs1443380017, ClinGen allele CA353857870.
Genomic context (GRCh38, chr3:101,244,004, plus strand): 5'-TCTCTGGACAATTTCTCTAGGGAAGAAGTTCTTGTCCAAACTCTCTCTGATTCTGGCAAT[A>G]TAGTCCACAAAGTTTGCATATCTGGCTTTACCATTGAAACCTCACTGTCAAACCATTCAT-3'
Protein context (NP_057331.2, residues 766-786): VKPDMQTLWT[Ile776Thr]LPESERVWTR

ClinVar aggregate classification (germline): Uncertain significance. Review status: criteria provided, multiple submitters, no conflicts (2 of 4 stars). 3 submissions from 3 submitters: Uncertain significance (3). Last evaluated 2024-09-20.

Conditions:
Inborn genetic diseases. Identifiers: MedGen C0950123, MeSH D030342.

Allele frequency attached by ClinVar (database versions not stated): gnomAD exomes below 0.00001; TOPMed 0.00001.
gnomAD v4.1: 2 of 1,614,194 alleles (0.00012%); highest among the groups gnomAD compares: African/African-American, 0.0027%; no homozygotes.

Submissions (3):

Ambry Genetics
Classification: Uncertain significance for Inborn genetic diseases. Last evaluated: 2024-09-20. Review status: criteria provided, single submitter. Criteria: Ambry Variant Classification Scheme 2023. Collection method: clinical testing. Allele origin: germline.

Labcorp Genetics (formerly Invitae), Labcorp
Classification: Uncertain significance. Last evaluated: 2024-02-24. Review status: criteria provided, single submitter. Criteria: Invitae Variant Classification Sherloc (09022015). Collection method: clinical testing. Allele origin: germline.
Comment: This sequence change replaces isoleucine, which is neutral and non-polar, with threonine, which is neutral and polar, at codon 776 of the IMPG2 protein (p.Ile776Thr). This variant is present in population databases (no rsID available, gnomAD 0.007%). This variant has not been reported in the literature in individuals affected with IMPG2-related conditions. ClinVar contains an entry for this variant (Variation ID: 998983). Advanced modeling of protein sequence and biophysical properties (such as structural, functional, and spatial information, amino acid conservation, physicochemical variation, residue mobility, and thermodynamic stability) performed at Invitae indicates that this missense variant is not expected to disrupt IMPG2 protein function with a negative predictive value of 80%. In summary, the available evidence is currently insufficient to determine the role of this variant in disease. Therefore, it has been classified as a Variant of Uncertain Significance.

Blueprint Genetics
Classification: Uncertain significance. Last evaluated: 2021-12-14. Review status: criteria provided, single submitter. Criteria: ACMG Guidelines, 2015. Collection method: clinical testing. Allele origin: germline.